The following is an entry in ClinVar:

ClinVar aggregate classification (germline): Uncertain significance (1 of 4 stars; one submission).

Conditions:
Leber congenital amaurosis 5 (LCA5). Also called: Amaurosis congenita of Leber, type 5. Identifiers: Orphanet 65, MedGen C1858301, MONDO:0011473, OMIM 604537.

Submission:

Juno Genomics, Hangzhou Juno Genomics, Inc
Classification: Uncertain significance for Leber congenital amaurosis 5. Review status: criteria provided, single submitter. Criteria: ACMG Guidelines, 2015. Collection method: clinical testing. Allele origin: germline.
Comment: Absent from controls (or at extremely low frequency if recessive) in Genome Aggregation Database.;Protein length changes due to in-frame deletions/insertions in a non-repeat region or stop-loss variants.

NM_001122769.3(LCA5):c.2092T>A (p.Ter698Arg)

Gene: LCA5 (lebercilin LCA5; minus strand). Cytogenetic location: 6q14.1.
Variant type: single nucleotide variant.
Coding change: c.2092T>A on transcript NM_001122769.3 (MANE Select); coding-DNA position 2092, T replaced by A.
Protein change: p.Ter698Arg.
Molecular consequence: stop lost.
Genome position (GRCh38, 1-based): chr6:79,487,006, A>T on the plus strand (T>A on the coding strand, the complement: LCA5 is on the minus strand). VCF-style: chr6-79487006-A-T. GRCh37 (hg19) VCF-style: chr6-80196723-A-T.
Other names: c.2092T>A, p.Ter698Arg (NM_181714.4).
Identifiers: ClinVar variation 5007097 (VCV005007097.2).